The following is an entry in ClinVar:

ClinVar aggregate classification (germline): Uncertain significance (1 of 4 stars; one submission).

Conditions:
Developmental and epileptic encephalopathy, 27 (DEE27). Also called: GRIN2B-Related Neurodevelopmental Disorder; Epileptic encephalopathy, early infantile, 27. Identifiers: Orphanet 3451, MedGen C4015316, MONDO:0014505, OMIM 616139.
Intellectual developmental disorder, autosomal dominant 6, with or without seizures. Also called: Intellectual disability, autosomal dominant 6; GRIN2B-related developmental delay, intellectual disability and autism spectrum disorder. Identifiers: Orphanet 589547, MedGen C3151411, MONDO:0013509, OMIM 613970.

Allele frequency attached by ClinVar (database versions not stated): gnomAD exomes below 0.00001; TOPMed below 0.00001; gnomAD 0.00001.
gnomAD v4.1: 3 of 1,614,082 alleles (0.00019%); highest among the groups gnomAD compares: African/African-American, 0.0013%; no homozygotes.

Submission:

Labcorp Genetics (formerly Invitae), Labcorp
Classification: Uncertain significance for Developmental and epileptic encephalopathy, 27; Intellectual developmental disorder, autosomal dominant 6, with or without seizures. Last evaluated: 2023-07-07. Review status: criteria provided, single submitter. Criteria: Invitae Variant Classification Sherloc (09022015). Collection method: clinical testing. Allele origin: germline.
Comment: This sequence change replaces aspartic acid, which is acidic and polar, with asparagine, which is neutral and polar, at codon 961 of the GRIN2B protein (p.Asp961Asn). This variant is not present in population databases (gnomAD no frequency). This variant has not been reported in the literature in individuals affected with GRIN2B-related conditions. ClinVar contains an entry for this variant (Variation ID: 2063299). Advanced modeling of protein sequence and biophysical properties (such as structural, functional, and spatial information, amino acid conservation, physicochemical variation, residue mobility, and thermodynamic stability) has been performed at Invitae for this missense variant, however the output from this modeling did not meet the statistical confidence thresholds required to predict the impact of this variant on GRIN2B protein function. In summary, the available evidence is currently insufficient to determine the role of this variant in disease. Therefore, it has been classified as a Variant of Uncertain Significance.

NM_000834.5(GRIN2B):c.2881G>A (p.Asp961Asn)

Gene: GRIN2B (glutamate ionotropic receptor NMDA type subunit 2B; minus strand). Cytogenetic location: 12p13.1.
Variant type: single nucleotide variant.
Coding change: c.2881G>A on transcript NM_000834.5 (MANE Select); coding-DNA position 2881, G replaced by A.
Protein change: p.Asp961Asn; replaces aspartic acid 961 with asparagine.
Molecular consequence: missense variant.
Genome position (GRCh38, 1-based): chr12:13,564,357, C>T on the plus strand (G>A on the coding strand, the complement: GRIN2B is on the minus strand). VCF-style: chr12-13564357-C-T. GRCh37 (hg19) VCF-style: chr12-13717291-C-T.
Other names: c.2881G>A, p.Asp961Asn (NM_001413992.1); short protein forms D961N.
Identifiers: ClinVar variation 2063299 (VCV002063299.4), dbSNP rs200538130, ClinGen allele CA233134329.
Genomic context (GRCh38, chr12:13,564,357, plus strand): 5'-ACACGTTGCTGTCCTTCAGCTGCAGGTTCCCGAACGTTCTCTCTACCTCACTGATGTAGT[C>T]ACTGAAGAGGTTCTCCTCACAGGGCGGGTTGTTGTAGGATTTGCAGTCAGAATGCGTGAA-3'
Protein context (NP_000825.2, residues 951-971): NPPCEENLFS[Asp961Asn]YISEVERTFG